The following is an entry in ClinVar:

ClinVar aggregate classification (germline): Conflicting classifications of pathogenicity. Review status: criteria provided, conflicting classifications (1 of 4 stars). 12 submissions from 12 submitters: Pathogenic (1); Likely pathogenic (8); Uncertain significance (1). 2 of the submissions do not count toward it. Last evaluated 2025-12-16.

Conditions:
RTEL1-related disorder. Also called: RTEL1-related condition; RTEL1-related disorders.
Pulmonary fibrosis and/or bone marrow failure, Telomere-related, 3. Also called: PULMONARY FIBROSIS AND/OR BONE MARROW FAILURE SYNDROME, TELOMERE-RELATED, 3. Identifiers: Orphanet 2032, MedGen C4225346, MONDO:0014613, OMIM 616373.
Dyskeratosis congenita, autosomal recessive 5 (DKCB5). Identifiers: MedGen C3554656, MONDO:0014076, OMIM 615190.
Dyskeratosis congenita. Identifiers: Orphanet 1775, MedGen C0265965, MONDO:0015780.

Allele frequency attached by ClinVar (database versions not stated): TOPMed 0.00003; gnomAD 0.00003.

Submissions 1 to 6 of 12:

Natera, Inc.
Classification: Likely pathogenic for Dyskeratosis congenita. Last evaluated: 2025-12-16. Review status: criteria provided, single submitter. Criteria: Natera Variant Classification Schema (03/2026). Collection method: clinical testing. Allele origin: germline.
Comment: The c.2941C>T variant in RTEL1 is a missense variant predicted to cause substitution of arginine to tryptophan at amino acid 981. This variant is rare in the general population with a frequency below the threshold expected for the associated phenotype(s). This variant has been observed in one or more individuals affected with the associated recessive disease, as either homozygous or compound heterozygous with a second variant (PMID: 23453664, 29296694). This variant has been identified in one or more affected individual with a phenotype highly consistent with the associated gene (PMID: 29296694). Computational prediction algorithms indicate this variant is likely to affect gene or protein function. Given the available evidence, this variant is classified as Likely Pathogenic.

Clinical Genomics Laboratory, Washington University in St. Louis
Classification: Likely pathogenic for Dyskeratosis congenita, autosomal recessive 5. Last evaluated: 2025-10-30. Review status: criteria provided, single submitter. Criteria: ACMG Guidelines, 2015. Collection method: clinical testing. Allele origin: germline. Affected: yes.
Comment: The RTEL1 c.2869C>T (p.Arg957Trp) variant, commonly reported as NM_032957.4:c.2941C>T (p.Arg981Trp), has been reported in the compound heterozygous or homozygous state in four individuals affected with HHS (Touzot F et al., PMID: 29296694; Walne AJ et al., PMID: 23453664). It has also been reported in the heterozygous state in individuals with idiopathic pulmonary fibrosis or alcoholic liver cirrhosis and classified as a variant of uncertain significance (Borie R et al., PMID: 30523160; Fang C et al., PMID: 32583532). This variant is only observed in 69/1,612,038 alleles in the general population (gnomAD v4.1.0), indicating it is not a common variant. Functional studies show telomere shortening, increased T-circle formation, and replication fork stalling, indicating that this variant impacts protein function (Walne AJ et al., PMID: 23453664). Computational predictors are uncertain as to the impact of this variant on RTEL1 function. This variant has been reported in the ClinVar database as a germline pathogenic variant by two submitters, likely pathogenic by six submitters, and a variant of uncertain significance by three submitters. Based on available information and the ACMG/AMP guidelines for variant interpretation (Richards S et al., PMID: 25741868), this variant is classified as likely pathogenic.

Labcorp Genetics (formerly Invitae), Labcorp
Classification: Likely pathogenic for Dyskeratosis congenita, autosomal recessive 5; Pulmonary fibrosis and/or bone marrow failure, Telomere-related, 3. Last evaluated: 2025-10-07. Review status: criteria provided, single submitter. Criteria: Invitae Variant Classification Sherloc (09022015). Collection method: clinical testing. Allele origin: germline.
Comment: This sequence change replaces arginine, which is basic and polar, with tryptophan, which is neutral and slightly polar, at codon 957 of the RTEL1 protein (p.Arg957Trp). This variant is present in population databases (rs398123018, gnomAD 0.01%). This missense change has been observed in individuals with autosomal recessive dyskeratosis congenita and/or RTEL1-related conditions (PMID: 23453664, 28495916, 29296694, 34301788, 39279213). This variant is also known as c.2941C>T (p.Arg981Trp). ClinVar contains an entry for this variant (Variation ID: 42021). An algorithm developed to predict the effect of missense changes on protein structure and function (PolyPhen-2) suggests that this variant is likely to be disruptive. In summary, the currently available evidence indicates that the variant is pathogenic, but additional data are needed to prove that conclusively. Therefore, this variant has been classified as Likely Pathogenic.

PreventionGenetics, part of Exact Sciences
Classification: Likely pathogenic for RTEL1-related condition. Last evaluated: 2025-09-08. Review status: criteria provided, single submitter. Criteria: ACMG Guidelines, 2015. Collection method: clinical testing. Allele origin: germline.
Comment: The RTEL1 c.2941C>T variant is predicted to result in the amino acid substitution p.Arg981Trp. This variant has been reported in the compound heterozygous state with a second RTEL1 variant in three unrelated patients with autosomal recessive dyskeratosis congenita (DC) and segregated with DC in all the families (Walne et al. 2013. PubMed ID: 23453664). Functional studies of patient cells showed significant defects in telomere maintenance (Walne et al. 2013. PubMed ID: 23453664). This variant has also been reported in the heterozygous state in three members from one family affected with autosomal dominant pulmonary fibrosis (PF) and segregated with PF in this family (referred to as p.Arg957Trp, Borie et al. 2019. PubMed ID: 30523160). This variant is reported in 0.015% of alleles in individuals of East Asian descent in gnomAD. Together we classify the c.2941C>T variant as likely pathogenic.

Women's Health and Genetics/Laboratory Corporation of America, LabCorp
Classification: Likely pathogenic for Dyskeratosis congenita. Last evaluated: 2025-06-11. Review status: criteria provided, single submitter. Criteria: LabCorp Variant Classification Summary - May 2015. Collection method: clinical testing. Allele origin: germline.
Comment: Variant summary: RTEL1 c.2941C>T (p.Arg981Trp), also reported as p.R734W and p.R957W, results in a non-conservative amino acid change in the encoded protein sequence. Algorithms developed to predict the effect of missense changes on protein structure and function are either unavailable or do not agree on the potential impact of this missense change. The variant allele was found at a frequency of 4e-05 in 249160 control chromosomes. This frequency is not significantly higher than estimated for a pathogenic variant in RTEL1 causing Dyskeratosis Congenita (Hoyeraal Hreidarsson Syndrome) (4e-05 vs 0.0011), allowing no conclusion about variant significance. c.2941C>T has been observed in the compound heterozygous and homozygous states in multiple individual(s) affected with clinical features and/or diagnosis of Dyskeratosis Congenita (Hoyeraal Hreidarsson Syndrome) (example, Walne_2013, Touzot_2016). It has also been observed in the heterozygous state in multiple individuals with and without family history of pulmonary fibrosis (example, Borie_2019, Fang_2020). These data indicate that the variant is likely to be associated with disease. Multiple reports provide experimental evidence that this variant is associated with reduced DNA replication fork function/partner protein interaction in vitro and decreased telomere length in vivo (example, Walne_2013, Takedachi_2020, Touzot_2016). The following publications have been ascertained in the context of this evaluation (PMID: 23829372, 23453664, 24582487, 30523160, 32583532, 39279213, 32398829, 29296694). ClinVar contains an entry for this variant (Variation ID: 42021). Based on the evidence outlined above, the variant was classified as likely pathogenic.

Blueprint Genetics
Classification: Likely pathogenic for RTEL1-related disorders. Last evaluated: 2024-11-12. Review status: criteria provided, single submitter. Criteria: ACMG Guidelines, 2015. Collection method: clinical testing. Allele origin: germline. Affected: yes. Observed: 5 variant alleles.

NM_001283009.2(RTEL1):c.2869C>T (p.Arg957Trp)

Genes: RTEL1-TNFRSF6B (RTEL1-TNFRSF6B readthrough (NMD candidate); plus strand), RTEL1 (regulator of telomere elongation helicase 1; plus strand). Cytogenetic location: 20q13.33.
Variant type: single nucleotide variant.
Coding change: c.2869C>T on transcript NM_001283009.2 (MANE Select); coding-DNA position 2869, C replaced by T.
Protein change: p.Arg957Trp; replaces arginine 957 with tryptophan.
Molecular consequence: missense variant. On other transcripts: non-coding transcript variant (1).
Genome position (GRCh38, 1-based): chr20:63,693,160, C>T. VCF-style: chr20-63693160-C-T. GRCh37 (hg19) VCF-style: chr20-62324513-C-T.
Other names: c.2200C>T, p.Arg734Trp (NM_001283010.1); c.2869C>T, p.Arg957Trp (NM_016434.4); c.2941C>T, p.Arg981Trp (NM_032957.5); short protein forms R981W, R957W, R734W.
Identifiers: ClinVar variation 42021 (VCV000042021.26), dbSNP rs398123018, ClinGen allele CA130954.